The following is an entry in ClinVar:

NM_014264.5(PLK4):c.31-7T>G

Gene: PLK4 (polo like kinase 4; plus strand). Cytogenetic location: 4q28.1.
Variant type: single nucleotide variant.
Coding change: c.31-7T>G on transcript NM_014264.5 (MANE Select); 7 bases into the intron before coding-DNA position 31, T replaced by G.
Molecular consequence: intron variant.
Genome position (GRCh38, 1-based): chr4:127,881,824, T>G. VCF-style: chr4-127881824-T-G. GRCh37 (hg19) VCF-style: chr4-128802979-T-G.
Other names: c.31-7T>G (NM_001190799.2); c.-93-7T>G (NM_001190801.2).
Identifiers: ClinVar variation 1379400 (VCV001379400.6), dbSNP rs761636145, ClinGen allele CA3076471.
Genomic context (GRCh38, chr4:127,881,824, plus strand): 5'-CCAGCCCCTTCCCATCTTCCTTTCTACTGTGAGTCATCACACATAATCTTTAATTTTAAC[T>G]TTTAAGGATTTTAAAGTTGGAAATCTGCTTGGTAAAGGATCATTTGCTGGTGTCTACAGA-3'

ClinVar aggregate classification (germline): Uncertain significance (1 of 4 stars; one submission).

Allele frequency attached by ClinVar (database versions not stated): gnomAD exomes below 0.00001 and 0.00001; ExAC 0.00001; TOPMed 0.00001.
gnomAD v4.1: 5 of 1,536,128 alleles (0.00033%); highest among the groups gnomAD compares: Non-Finnish European, 0.00045%; no homozygotes.

Submission:

Labcorp Genetics (formerly Invitae), Labcorp
Classification: Uncertain significance. Last evaluated: 2021-05-11. Review status: criteria provided, single submitter. Criteria: Invitae Variant Classification Sherloc (09022015). Collection method: clinical testing. Allele origin: germline.
Comment: In summary, the available evidence is currently insufficient to determine the role of this variant in disease. Therefore, it has been classified as a Variant of Uncertain Significance. Algorithms developed to predict the effect of sequence changes on RNA splicing suggest that this variant may disrupt the consensus splice site, but this prediction has not been confirmed by published transcriptional studies. This variant has not been reported in the literature in individuals with PLK4-related conditions. This variant is present in population databases (rs761636145, ExAC 0.002%). This sequence change falls in intron 1 of the PLK4 gene. It does not directly change the encoded amino acid sequence of the PLK4 protein.